The following is an entry in ClinVar:

ClinVar aggregate classification (germline): Pathogenic (1 of 4 stars; one submission).

Submission:

GeneDx
Classification: Pathogenic. Last evaluated: 2018-12-20. Review status: criteria provided, single submitter. Criteria: GeneDx Variant Classification (06012015). Collection method: clinical testing. Allele origin: germline. Affected: yes.
Comment: The c.1825dupT pathogenic variant in the GRIN2A gene causes a frameshift starting with codon Tryptophan 609, changes this amino acid to a Leucine residue and creates a premature Stop codon at position 7 of the new reading frame, denoted p.Trp609LeufsX7. This pathogenic variant is predicted to cause loss of normal protein function either through protein truncation or nonsense-mediated mRNA decay. The c.1825dupT variant is not observed in large population cohorts (Lek et al., 2016). This variant is considered a pathogenic variant.

NM_001134407.3(GRIN2A):c.1825dup (p.Trp609fs)

Gene: GRIN2A (glutamate ionotropic receptor NMDA type subunit 2A; minus strand). Cytogenetic location: 16p13.2.
Variant type: Duplication.
Coding change: c.1825dup on transcript NM_001134407.3 (MANE Select); coding-DNA position 1825, one base duplicated (T; older notation c.1825dupT).
Protein change: p.Trp609fs; shifts the reading frame from tryptophan 609.
Molecular consequence: frameshift variant.
Genome position (GRCh38, 1-based): chr16:9,829,605, A duplicated on the plus strand (T on the coding strand, the reverse complement: GRIN2A is on the minus strand); the first of 3 consecutive A bases (chr16:9,829,605-9,829,607); duplicating any one gives the same sequence. VCF-style (leftmost placement, unchanged base first): chr16-9829604-C-CA. GRCh37 (hg19) VCF-style: chr16-9923461-C-CA.
Other names: c.1825dup, p.Trp609fs (NM_000833.5, NM_001134408.2); short protein forms W609fs.
Identifiers: ClinVar variation 817361 (VCV000817361.1), dbSNP rs1596471934, ClinGen allele CA915949122.